The following is an entry in ClinVar:

NM_000318.3(PEX2):c.377A>G (p.Asn126Ser)

Gene: PEX2 (peroxisomal biogenesis factor 2; minus strand). Cytogenetic location: 8q21.13.
Variant type: single nucleotide variant.
Coding change: c.377A>G on transcript NM_000318.3 (MANE Select); coding-DNA position 377, A replaced by G.
Protein change: p.Asn126Ser; replaces asparagine 126 with serine.
Molecular consequence: missense variant.
Genome position (GRCh38, 1-based): chr8:76,983,802, T>C on the plus strand (A>G on the coding strand, the complement: PEX2 is on the minus strand). VCF-style: chr8-76983802-T-C. GRCh37 (hg19) VCF-style: chr8-77896038-T-C.
Other names: c.377A>G, p.Asn126Ser (NM_001079867.2, NM_001172086.2, NM_001172087.2); short protein forms N126S.
Identifiers: ClinVar variation 1375673 (VCV001375673.3), dbSNP rs2132044121, ClinGen allele CA371557477.

ClinVar aggregate classification (germline): Uncertain significance (1 of 4 stars; one submission).

Conditions:
Peroxisome biogenesis disorder 5A (Zellweger) (PBD5A). Identifiers: Orphanet 912, MedGen C3553940, MONDO:0013932, OMIM 614866.

Allele frequency attached by ClinVar (database versions not stated): gnomAD exomes below 0.00001.
gnomAD v4.1: 4 of 1,614,126 alleles (0.00025%); highest among the groups gnomAD compares: Non-Finnish European, 0.00034%; no homozygotes.

Submission:

Labcorp Genetics (formerly Invitae), Labcorp
Classification: Uncertain significance for Peroxisome biogenesis disorder 5A (Zellweger). Last evaluated: 2022-07-18. Review status: criteria provided, single submitter. Criteria: Invitae Variant Classification Sherloc (09022015). Collection method: clinical testing. Allele origin: germline.
Comment: This sequence change replaces asparagine, which is neutral and polar, with serine, which is neutral and polar, at codon 126 of the PEX2 protein (p.Asn126Ser). This variant is not present in population databases (gnomAD no frequency). This variant has not been reported in the literature in individuals affected with PEX2-related conditions. ClinVar contains an entry for this variant (Variation ID: 1375673). Algorithms developed to predict the effect of missense changes on protein structure and function (SIFT, PolyPhen-2, Align-GVGD) all suggest that this variant is likely to be tolerated. Algorithms developed to predict the effect of sequence changes on RNA splicing suggest that this variant may create or strengthen a splice site. In summary, the available evidence is currently insufficient to determine the role of this variant in disease. Therefore, it has been classified as a Variant of Uncertain Significance.